The following is an entry in ClinVar:

NM_001048174.2(MUTYH):c.506T>C (p.Leu169Pro)

Gene: MUTYH (mutY DNA glycosylase; minus strand). Cytogenetic location: 1p34.1.
Variant type: single nucleotide variant.
Coding change: c.506T>C on transcript NM_001048174.2 (MANE Select); coding-DNA position 506, T replaced by C.
Protein change: p.Leu169Pro; replaces leucine 169 with proline.
Molecular consequence: missense variant. On other transcripts: non-coding transcript variant (7).
Genome position (GRCh38, 1-based): chr1:45,332,674, A>G on the plus strand (T>C on the coding strand, the complement: MUTYH is on the minus strand). VCF-style: chr1-45332674-A-G. GRCh37 (hg19) VCF-style: chr1-45798346-A-G.
Other names: c.506T>C, p.Leu169Pro (NM_001048171.2, NM_001048173.2, NM_001293195.2 and 6 more transcripts); c.509T>C, p.Leu170Pro (NM_001048172.2, NM_001407086.1, NM_001407071.1 and 1 more transcripts); c.590T>C, p.Leu197Pro (NM_001128425.2); c.551T>C, p.Leu184Pro (NM_001293190.2); c.539T>C, p.Leu180Pro (NM_001293191.2, NM_001407069.1, NM_001407077.1); c.230T>C, p.Leu77Pro (NM_001293192.2, NM_001293196.2, NM_001407091.1); c.161T>C, p.Leu54Pro (NM_001350650.2, NM_001350651.2, NM_001407082.1); c.548T>C, p.Leu183Pro (NM_001407083.1, NM_001407085.1); and 5 more; short protein forms L155P, L156P, L169P, L194P, L54P, L141P, L170P, L184P.
Identifiers: ClinVar variation 4765687 (VCV004765687.1).

ClinVar aggregate classification (germline): Uncertain significance (1 of 4 stars; one submission).

Conditions:
Familial adenomatous polyposis 2. Also called: MYH-associated polyposis; MUTYH Polyposis; Adenomas, multiple colorectal; COLORECTAL ADENOMATOUS POLYPOSIS, AUTOSOMAL RECESSIVE; ADENOMAS, MULTIPLE COLORECTAL, AUTOSOMAL RECESSIVE; MUTYH-associated polyposis. Identifiers: Orphanet 220460, Orphanet 247798, MedGen C3272841, MONDO:0012041, OMIM 608456.

gnomAD v4.1: 3 of 1,614,140 alleles (0.00019%); highest among the groups gnomAD compares: Admixed American, 0.0017%; no homozygotes.

Submission:

Labcorp Genetics (formerly Invitae), Labcorp
Classification: Uncertain significance for Familial adenomatous polyposis 2. Last evaluated: 2025-07-23. Review status: criteria provided, single submitter. Criteria: Invitae Variant Classification Sherloc (09022015). Collection method: clinical testing. Allele origin: germline.
Comment: This sequence change replaces leucine, which is neutral and non-polar, with proline, which is neutral and non-polar, at codon 197 of the MUTYH protein (p.Leu197Pro). This variant is present in population databases (rs757414131, gnomAD 0.003%). This variant has not been reported in the literature in individuals affected with MUTYH-related conditions. An algorithm developed to predict the effect of missense changes on protein structure and function (PolyPhen-2) suggests that this variant is likely to be disruptive. In summary, the available evidence is currently insufficient to determine the role of this variant in disease. Therefore, it has been classified as a Variant of Uncertain Significance.